The following is an entry in ClinVar:

NM_021961.6(TEAD1):c.598G>A (p.Ala200Thr)

Gene: TEAD1 (TEA domain transcription factor 1; plus strand). Cytogenetic location: 11p15.3.
Variant type: single nucleotide variant.
Coding change: c.598G>A on transcript NM_021961.6 (MANE Select); coding-DNA position 598, G replaced by A.
Protein change: p.Ala200Thr; replaces alanine 200 with threonine.
Molecular consequence: missense variant.
Genome position (GRCh38, 1-based): chr11:12,883,024, G>A. VCF-style: chr11-12883024-G-A. GRCh37 (hg19) VCF-style: chr11-12904571-G-A.
Other names: short protein forms A200T.
Identifiers: ClinVar variation 1420342 (VCV001420342.6), dbSNP rs1486457113, ClinGen allele CA379712693.

ClinVar aggregate classification (germline): Uncertain significance (1 of 4 stars; one submission).

Allele frequency attached by ClinVar (database versions not stated): gnomAD exomes 0.00001 and 0.00002; gnomAD 0.00001.
gnomAD v4.1: 13 of 1,614,026 alleles (0.00081%); highest among the groups gnomAD compares: Admixed American, 0.005%; no homozygotes.

Submission:

Labcorp Genetics (formerly Invitae), Labcorp
Classification: Uncertain significance. Last evaluated: 2025-11-21. Review status: criteria provided, single submitter. Criteria: Invitae Variant Classification Sherloc (09022015). Collection method: clinical testing. Allele origin: germline.
Comment: This sequence change replaces alanine, which is neutral and non-polar, with threonine, which is neutral and polar, at codon 200 of the TEAD1 protein (p.Ala200Thr). This variant is present in population databases (no rsID available, gnomAD 0.009%). This variant has not been reported in the literature in individuals affected with TEAD1-related conditions. ClinVar contains an entry for this variant (Variation ID: 1420342). Invitae Evidence Modeling of protein sequence and biophysical properties (such as structural, functional, and spatial information, amino acid conservation, physicochemical variation, residue mobility, and thermodynamic stability) indicates that this missense variant is not expected to disrupt TEAD1 protein function with a negative predictive value of 80%. In summary, the available evidence is currently insufficient to determine the role of this variant in disease. Therefore, it has been classified as a Variant of Uncertain Significance.